The following is an entry in ClinVar:

NM_005427.4(TP73):c.1756G>A (p.Val586Met)

Gene: TP73 (tumor protein p73; plus strand). Cytogenetic location: 1p36.32.
Variant type: single nucleotide variant.
Coding change: c.1756G>A on transcript NM_005427.4 (MANE Select); coding-DNA position 1756, G replaced by A.
Protein change: p.Val586Met; replaces valine 586 with methionine.
Molecular consequence: missense variant. On other transcripts: 3 prime UTR variant (6).
Genome position (GRCh38, 1-based): chr1:3,732,924, G>A. VCF-style: chr1-3732924-G-A. GRCh37 (hg19) VCF-style: chr1-3649488-G-A.
Other names: c.1609G>A, p.Val537Met (NM_001126240.3); c.*162G>A (NM_001126241.3, NM_001204184.2, NM_001204186.2 and 1 more transcripts); c.*179G>A (NM_001126242.3, NM_001204185.2); c.1513G>A, p.Val505Met (NM_001204187.2); c.1468G>A, p.Val490Met (NM_001204188.2); c.1366G>A, p.Val456Met (NM_001204190.2); c.1321G>A, p.Val441Met (NM_001204191.2); c.1543G>A, p.Val515Met (NM_001204192.2); short protein forms V441M, V456M, V490M, V505M, V515M, V537M, V586M.
Identifiers: ClinVar variation 3032838 (VCV003032838.2), dbSNP rs138694448, ClinGen allele CA549662.

ClinVar aggregate classification (germline): Likely benign (0 of 4 stars; one submission).

Conditions:
TP73-related disorder. Also called: TP73-related condition.

Allele frequency attached by ClinVar (database versions not stated): gnomAD exomes 0.00010; gnomAD 0.00011; TOPMed 0.00014; ExAC 0.00022; ESP Exome Variant Server 0.00031.
gnomAD v4.1: 191 of 1,610,174 alleles (0.012%); highest among the groups gnomAD compares: Non-Finnish European, 0.0027%; 1 homozygote.

Submission:

PreventionGenetics, part of Exact Sciences
Classification: Likely benign for TP73-related condition. Last evaluated: 2022-03-09. Review status: no assertion criteria provided. Collection method: clinical testing. Allele origin: germline.
Comment: This variant is classified as likely benign based on ACMG/AMP sequence variant interpretation guidelines (Richards et al. 2015 PMID: 25741868, with internal and published modifications).